The following is an entry in ClinVar:

ClinVar aggregate classification (germline): Conflicting classifications of pathogenicity. Review status: criteria provided, conflicting classifications (1 of 4 stars). 2 submissions from 2 submitters: Uncertain significance (1); Likely benign (1). Last evaluated 2024-11-22.

Conditions:
Primary immunodeficiency with post-measles-mumps-rubella vaccine viral infection. Also called: Immunodeficiency 44. Identifiers: Orphanet 431166, MedGen C4225260, MONDO:0014715, OMIM 616636.

Allele frequency attached by ClinVar (database versions not stated): ExAC 0.00001; gnomAD 0.00001; gnomAD exomes 0.00001 and 0.00002; TOPMed 0.00002; ESP Exome Variant Server 0.00008.
gnomAD v4.1: 21 of 1,614,070 alleles (0.0013%); highest among the groups gnomAD compares: African/African-American, 0.004%; no homozygotes.

Submissions (2):

Blueprint Genetics
Classification: Likely benign. Last evaluated: 2024-11-22. Review status: criteria provided, single submitter. Criteria: ACMG Guidelines, 2015. Collection method: clinical testing. Allele origin: germline.

Labcorp Genetics (formerly Invitae), Labcorp
Classification: Uncertain significance for Primary immunodeficiency with post-measles-mumps-rubella vaccine viral infection. Last evaluated: 2023-05-18. Review status: criteria provided, single submitter. Criteria: Invitae Variant Classification Sherloc (09022015). Collection method: clinical testing. Allele origin: germline.
Comment: In summary, the available evidence is currently insufficient to determine the role of this variant in disease. Therefore, it has been classified as a Variant of Uncertain Significance. Advanced modeling of protein sequence and biophysical properties (such as structural, functional, and spatial information, amino acid conservation, physicochemical variation, residue mobility, and thermodynamic stability) performed at Invitae indicates that this missense variant is not expected to disrupt STAT2 protein function. ClinVar contains an entry for this variant (Variation ID: 1039624). This variant has not been reported in the literature in individuals affected with STAT2-related conditions. This variant is present in population databases (rs144221064, gnomAD 0.004%). This sequence change replaces valine, which is neutral and non-polar, with methionine, which is neutral and non-polar, at codon 829 of the STAT2 protein (p.Val829Met).

NM_005419.4(STAT2):c.2485G>A (p.Val829Met)

Gene: STAT2 (signal transducer and activator of transcription 2; minus strand). Cytogenetic location: 12q13.3.
Variant type: single nucleotide variant.
Coding change: c.2485G>A on transcript NM_005419.4 (MANE Select); coding-DNA position 2485, G replaced by A.
Protein change: p.Val829Met; replaces valine 829 with methionine.
Molecular consequence: missense variant. On other transcripts: 3 prime UTR variant (1).
Genome position (GRCh38, 1-based): chr12:56,343,460, C>T on the plus strand (G>A on the coding strand, the complement: STAT2 is on the minus strand). VCF-style: chr12-56343460-C-T. GRCh37 (hg19) VCF-style: chr12-56737244-C-T.
Other names: c.2452G>A, p.Val818Met (NM_001385110.1); c.2386G>A, p.Val796Met (NM_001385111.1); c.*54G>A (NM_001385113.1); c.2464G>A, p.Val822Met (NM_001385114.1); c.2443G>A, p.Val815Met (NM_001385115.1); c.2473G>A, p.Val825Met (NM_198332.2); short protein forms V822M, V829M, V796M, V815M, V818M, V825M.
Identifiers: ClinVar variation 1039624 (VCV001039624.5), dbSNP rs144221064, ClinGen allele CA6630239.
Genomic context (GRCh38, chr12:56,343,460, plus strand): 5'-AAGGCATCAAGGGTCCATCAGTGTAGAAGTGGCTGGGGCGGGAGACGTAAACCTCATCCA[C>T]GGTGTTCTGGCCAGCCAACAGTGGGTCACCATTCGGCATGATTTCTTCAATCTTTACACA-3'
Protein context (NP_005410.1, residues 819-839): GDPLLAGQNT[Val829Met]DEVYVSRPSH